The following is an entry in ClinVar:

NM_002834.5(PTPN11):c.854-32A>C

Gene: PTPN11 (protein tyrosine phosphatase non-receptor type 11; plus strand). Cytogenetic location: 12q24.13.
Variant type: single nucleotide variant.
Coding change: c.854-32A>C on transcript NM_002834.5 (MANE Select); 32 bases into the intron before coding-DNA position 854, A replaced by C.
Molecular consequence: intron variant.
Genome position (GRCh38, 1-based): chr12:112,477,619, A>C. VCF-style: chr12-112477619-A-C. GRCh37 (hg19) VCF-style: chr12-112915423-A-C.
Other names: c.854-32A>C (NM_001330437.2, NM_080601.3); c.851-32A>C (NM_001374625.1).
Identifiers: ClinVar variation 40530 (VCV000040530.15), dbSNP rs187389813, ClinGen allele CA215447.

ClinVar aggregate classification (germline): Benign. Review status: reviewed by expert panel (3 of 4 stars). 6 submissions from 6 submitters: Benign (1). 5 of the submissions do not count toward it. Last evaluated 2017-04-03.

Conditions:
RASopathy. Also called: Noonan spectrum disorder; rasopathies. Identifiers: Orphanet 536391, MedGen C5555857, MONDO:0021060.
Noonan syndrome (NS). Also called: Noonan's syndrome. Identifiers: Orphanet 648, MedGen C0028326, MeSH D009634, MONDO:0018997. Disease mechanism: gain of function.

Allele frequency attached by ClinVar (database versions not stated): ESP Exome Variant Server 0.00062; gnomAD exomes 0.00451 and 0.02039; gnomAD 0.00857 and 0.00867; 1000 Genomes Project 0.00998; 1000 Genomes Project 30x 0.01077; ExAC 0.01537; TOPMed 0.01647.
gnomAD v4.1: 7,529 of 1,547,882 alleles (0.49%); highest among the groups gnomAD compares: Admixed American, 12%; 563 homozygotes.

Submissions (6):

ClinGen RASopathy Variant Curation Expert Panel
Classification: Benign for Noonan syndrome and Noonan-related syndrome. Last evaluated: 2017-04-03. Review status: reviewed by expert panel. Criteria: ClinGen RASopathy ACMG Specifications v1. Collection method: curation. Allele origin: germline. Inheritance: Autosomal dominant inheritance.
Comment: The filtering allele frequency of the c.854-32A>C variant in the PTPN11 gene is 15.2% for Latino chromosomes by the Exome Aggregation Consortium (1824/11514 with 95% CI), which is a high enough frequency to be classified as benign based on thresholds defined by the ClinGen RASopathy Expert panel for autosomal dominant RASopathy variants (BA1).

Eurofins Ntd Llc (ga)
Classification: Benign. Last evaluated: 2017-04-12. Review status: criteria provided, single submitter. Criteria: EGL Classification Definitions 2015. Collection method: clinical testing. Allele origin: germline. Observed: 2 variant alleles, 2 heterozygotes. Not counted in ClinVar's aggregate classification.

GeneDx
Classification: Benign. Last evaluated: 2016-06-03. Review status: criteria provided, single submitter. Criteria: GeneDx Variant Classification (06012015). Collection method: clinical testing. Allele origin: germline. Affected: yes. Not counted in ClinVar's aggregate classification.
Comment: This variant is considered likely benign or benign based on one or more of the following criteria: it is a conservative change, it occurs at a poorly conserved position in the protein, it is predicted to be benign by multiple in silico algorithms, and/or has population frequency not consistent with disease.

Breakthrough Genomics
Classification: Benign. Review status: criteria provided, single submitter. Criteria: ACMG Guidelines, 2015. Collection method: not provided. Allele origin: germline. Inheritance: Autosomal dominant inheritance. Affected: yes. Not counted in ClinVar's aggregate classification.

PreventionGenetics, part of Exact Sciences
Classification: Benign. Review status: criteria provided, single submitter. Criteria: ACMG Guidelines, 2015. Collection method: clinical testing. Allele origin: germline. Not counted in ClinVar's aggregate classification.

ARUP Laboratories, Molecular Genetics and Genomics, ARUP Laboratories
Classification: Benign for Noonan syndrome. Last evaluated: 2014-05-29. Review status: no assertion criteria provided. Collection method: clinical testing. Allele origin: unknown. Affected: yes. Observed: 7 variant alleles. Clinical features observed: Global developmental delay, Low-set nipples, Abnormality of the eye, Short stature, Broad neck, Webbed neck, Abnormality of the cardiovascular system, Phenotypic abnormality, Abnormality of the face, Cryptorchidism, Pulmonic stenosis. Not counted in ClinVar's aggregate classification.